The following is an entry in ClinVar:

NM_005585.5(SMAD6):c.691C>G (p.Arg231Gly)

Gene: SMAD6 (SMAD family member 6; plus strand). Cytogenetic location: 15q22.31.
Variant type: single nucleotide variant.
Coding change: c.691C>G on transcript NM_005585.5 (MANE Select); coding-DNA position 691, C replaced by G.
Protein change: p.Arg231Gly; replaces arginine 231 with glycine.
Molecular consequence: missense variant. On other transcripts: non-coding transcript variant (1).
Genome position (GRCh38, 1-based): chr15:66,703,949, C>G. VCF-style: chr15-66703949-C-G. GRCh37 (hg19) VCF-style: chr15-66996287-C-G.
Other names: short protein forms R231G.
Identifiers: ClinVar variation 590962 (VCV000590962.5), dbSNP rs1395007983, ClinGen allele CA392950048.

ClinVar aggregate classification (germline): Uncertain significance. Review status: criteria provided, single submitter (1 of 4 stars). 2 submissions from 2 submitters: Uncertain significance (1). 1 of the submissions does not count toward it. Last evaluated 2025-10-15.

Conditions:
Aortic valve disease 1 (AOVD1). Identifiers: MedGen C3887892, MONDO:0024523, OMIM 109730.
Aortic valve disease 2 (AOVD2). Identifiers: MedGen C3542024, MONDO:0013902, OMIM 614823.

gnomAD v4.1: 5 of 1,407,622 alleles (0.00036%); highest among the groups gnomAD compares: South Asian, 0.0015%; no homozygotes.

Submissions (2):

Labcorp Genetics (formerly Invitae), Labcorp
Classification: Uncertain significance for Aortic valve disease 2. Last evaluated: 2025-10-15. Review status: criteria provided, single submitter. Criteria: Invitae Variant Classification Sherloc (09022015). Collection method: clinical testing. Allele origin: germline.
Comment: This sequence change replaces arginine, which is basic and polar, with glycine, which is neutral and non-polar, at codon 231 of the SMAD6 protein (p.Arg231Gly). This variant is not present in population databases (gnomAD no frequency). This missense change has been observed in individual(s) with radioulnar synostosis (PMID: 30796334). ClinVar contains an entry for this variant (Variation ID: 590962). Invitae Evidence Modeling of protein sequence and biophysical properties (such as structural, functional, and spatial information, amino acid conservation, physicochemical variation, residue mobility, and thermodynamic stability) has been performed for this missense variant. However, the output from this modeling did not meet the statistical confidence thresholds required to predict the impact of this variant on SMAD6 protein function. In summary, the available evidence is currently insufficient to determine the role of this variant in disease. Therefore, it has been classified as a Variant of Uncertain Significance.

Centre of Medical Genetics, University of Antwerp
Classification: Uncertain significance for Aortic valve disease 1. Last evaluated: 2020-06-04. Review status: no assertion criteria provided. Collection method: research. Allele origin: germline. Affected: yes. Observed: 2 variant alleles. Not counted in ClinVar's aggregate classification.

Literature cited by the submitters: PubMed 30796334 (cited by Labcorp Genetics (formerly Invitae), Labcorp).